The following is an entry in ClinVar:

NM_005475.3(SH2B3):c.1623C>G (p.His541Gln)

Gene: SH2B3 (SH2B adaptor protein 3; plus strand). Cytogenetic location: 12q24.12.
Variant type: single nucleotide variant.
Coding change: c.1623C>G on transcript NM_005475.3 (MANE Select); coding-DNA position 1623, C replaced by G.
Protein change: p.His541Gln; replaces histidine 541 with glutamine.
Molecular consequence: missense variant.
Genome position (GRCh38, 1-based): chr12:111,448,197, C>G. VCF-style: chr12-111448197-C-G. GRCh37 (hg19) VCF-style: chr12-111886001-C-G.
Other names: c.1017C>G, p.His339Gln (NM_001291424.1); short protein forms H541Q, H339Q.
Identifiers: ClinVar variation 3795219 (VCV003795219.1).

ClinVar aggregate classification (germline): Uncertain significance (1 of 4 stars; one submission).

Conditions:
Inborn genetic diseases. Identifiers: MedGen C0950123, MeSH D030342.

Submission:

Ambry Genetics
Classification: Uncertain significance for Inborn genetic diseases. Last evaluated: 2025-02-23. Review status: criteria provided, single submitter. Criteria: Ambry Variant Classification Scheme 2023. Collection method: clinical testing. Allele origin: germline.
Comment: The p.H541Q variant (also known as c.1623C>G), located in coding exon 7 of the SH2B3 gene, results from a C to G substitution at nucleotide position 1623. The histidine at codon 541 is replaced by glutamine, an amino acid with highly similar properties. This amino acid position is conserved. In addition, this alteration is predicted to be tolerated by in silico analysis. Based on the available evidence, the clinical significance of this variant remains unclear.